The following is an entry in ClinVar:

ClinVar aggregate classification (germline): Pathogenic (1 of 4 stars; one submission).

Conditions:
Primary ciliary dyskinesia 3. Identifiers: Orphanet 244, MedGen C1837618, MONDO:0012085, OMIM 608644.

Submission:

Myriad Genetics, Inc.
Classification: Pathogenic for Primary ciliary dyskinesia 3. Last evaluated: 2024-05-14. Review status: criteria provided, single submitter. Criteria: Myriad Autosomal Dominant, Autosomal Recessive and X-Linked Classification Criteria (2023). Collection method: clinical testing. Allele origin: unknown.
Comment: NM_001369.2(DNAH5):c.3216_3218del3ins20(E1073Dfs*6) is expected to be pathogenic in the context of primary ciliary dyskinesia, DNAH5-related. This variant is predicted to lead to an abnormal or absent protein product due to the creation of a premature termination codon in DNAH5, a gene where loss-of-function variants are known to be pathogenic. Please note: this variant was assessed in the context of healthy population screening.

NM_001369.3(DNAH5):c.3216_3218delinsCGATCACAGATGTGTATAAG (p.Glu1073delinsAspHisArgCysValTer)

Genes: DNAH5 (dynein axonemal heavy chain 5; minus strand), DNAH5-AS1 (DNAH5 antisense RNA 1; plus strand). Cytogenetic location: 5p15.2.
Variant type: Indel.
Coding change: c.3216_3218delinsCGATCACAGATGTGTATAAG on transcript NM_001369.3 (MANE Select); coding-DNA positions 3216 to 3218, TGA replaced by CGATCACAGATGTGTATAAG.
Protein change: p.Glu1073delinsAspHisArgCysValTer.
Molecular consequence: nonsense.
Genome position (GRCh38, 1-based): chr5:13,882,772-13,882,774, TCA replaced by CTTATACACATCTGTGATCG on the plus strand (TGA replaced by CGATCACAGATGTGTATAAG on the coding strand, the reverse complement: DNAH5 is on the minus strand). VCF-style: chr5-13882772-TCA-CTTATACACATCTGTGATCG. GRCh37 (hg19) VCF-style: chr5-13882881-TCA-CTTATACACATCTGTGATCG.
Identifiers: ClinVar variation 5010573 (VCV005010573.1).